The following is an entry in ClinVar:

NM_001122955.4(BSCL2):c.1147G>A (p.Gly383Arg)

Genes: HNRNPUL2-BSCL2 (HNRNPUL2-BSCL2 readthrough (NMD candidate); minus strand), BSCL2 (BSCL2 lipid droplet biogenesis associated, seipin; minus strand). Cytogenetic location: 11q12.3.
Variant type: single nucleotide variant.
Coding change: c.1147G>A on transcript NM_001122955.4 (MANE Select); coding-DNA position 1147, G replaced by A.
Protein change: p.Gly383Arg; replaces glycine 383 with arginine.
Molecular consequence: missense variant. On other transcripts: non-coding transcript variant (1), synonymous variant (1).
Genome position (GRCh38, 1-based): chr11:62,690,793, C>T on the plus strand (G>A on the coding strand, the complement: BSCL2 is on the minus strand). VCF-style: chr11-62690793-C-T. GRCh37 (hg19) VCF-style: chr11-62458265-C-T.
Other names: c.813G>A, p.Gln271= (NM_001130702.2); c.1153G>A, p.Gly385Arg (NM_001386027.1); c.1147G>A, p.Gly383Arg (NM_001386028.1); c.955G>A, p.Gly319Arg (NM_032667.6); short protein forms G319R, G383R, G385R.
Identifiers: ClinVar variation 476819 (VCV000476819.30), dbSNP rs772516974, ClinGen allele CA6053318.

ClinVar aggregate classification (germline): Uncertain significance. Review status: criteria provided, multiple submitters, no conflicts (2 of 4 stars). 6 submissions from 6 submitters: Uncertain significance (6). Last evaluated 2025-12-04.

Conditions:
Charcot-Marie-Tooth disease type 2. Also called: Charcot-Marie-Tooth type 2. Identifiers: Orphanet 64746, MedGen C0270914, MONDO:0018993.
Congenital generalized lipodystrophy type 2 (CGL2). Also called: SEIP SYNDROME; BERARDINELLI SYNDROME; BRUNZELL SYNDROME, BSCL2-RELATED; Berardinelli-Seip Congenital Lipodystrophy Type 2. Identifiers: Orphanet 528, Orphanet 696289, MedGen C1720863, MONDO:0010020, OMIM 269700.
Neuronopathy, distal hereditary motor, type 5C. Also called: DHMN VC; NEURONOPATHY, DISTAL HEREDITARY MOTOR, HARDING TYPE VC; NEUROPATHY, DISTAL HEREDITARY MOTOR, HARDING TYPE VC; SPINAL MUSCULAR ATROPHY, DISTAL, HARDING TYPE VC; NEURONOPATHY, DISTAL HEREDITARY MOTOR, AUTOSOMAL DOMINANT 13. Identifiers: MedGen C5436838, MONDO:0030860, OMIM 619112.
Hereditary spastic paraplegia 17. Also called: SPASTIC PARAPLEGIA WITH AMYOTROPHY OF HANDS AND FEET; Silver spastic paraplegia syndrome; Spastic Paraplegia 17; Autosomal dominant spastic paraplegia type 17; Silver Syndrome. Identifiers: Orphanet 100998, MedGen C2931276, MONDO:0010043, OMIM 270685.
Severe neurodegenerative syndrome with lipodystrophy. Also called: ENCEPHALOPATHY, PROGRESSIVE, WITH LIPODYSTROPHY; Encephalopathy, progressive, with or without lipodystrophy. Identifiers: Orphanet 363400, MedGen C4014700, MONDO:0014402, OMIM 615924.
Inborn genetic diseases. Identifiers: MedGen C0950123, MeSH D030342.

Allele frequency attached by ClinVar (database versions not stated): ExAC 0.00003; gnomAD exomes 0.00004 and 0.00007; gnomAD 0.00005 and 0.00006; TOPMed 0.00005.

Submissions (6):

Mayo Clinic Laboratories, Mayo Clinic
Classification: Uncertain significance. Last evaluated: 2025-12-04. Review status: criteria provided, single submitter. Criteria: ACMG Guidelines, 2015. Collection method: clinical testing. Allele origin: germline. Observed: 2 variant alleles.
Comment: BP4_moderate, PM2_supporting

CeGaT Center for Human Genetics Tuebingen
Classification: Uncertain significance. Last evaluated: 2025-12-01. Review status: criteria provided, single submitter. Criteria: CeGaT Center For Human Genetics Tuebingen Variant Classification Criteria Version 2. Collection method: clinical testing. Allele origin: germline. Affected: yes. Observed: 2 variant alleles.
Comment: BSCL2: PM2, BP4

Labcorp Genetics (formerly Invitae), Labcorp
Classification: Uncertain significance for Charcot-Marie-Tooth disease type 2. Last evaluated: 2025-10-08. Review status: criteria provided, single submitter. Criteria: Invitae Variant Classification Sherloc (09022015). Collection method: clinical testing. Allele origin: germline.
Comment: This sequence change replaces glycine, which is neutral and non-polar, with arginine, which is basic and polar, at codon 319 of the BSCL2 protein (p.Gly319Arg). This variant is present in population databases (rs772516974, gnomAD 0.009%). This variant has not been reported in the literature in individuals affected with BSCL2-related conditions. ClinVar contains an entry for this variant (Variation ID: 476819). Invitae Evidence Modeling of protein sequence and biophysical properties (such as structural, functional, and spatial information, amino acid conservation, physicochemical variation, residue mobility, and thermodynamic stability) indicates that this missense variant is not expected to disrupt BSCL2 protein function with a negative predictive value of 80%. In summary, the available evidence is currently insufficient to determine the role of this variant in disease. Therefore, it has been classified as a Variant of Uncertain Significance.

ARUP Laboratories, Molecular Genetics and Genomics, ARUP Laboratories
Classification: Uncertain significance. Last evaluated: 2025-05-02. Review status: criteria provided, single submitter. Criteria: ARUP Molecular Germline Variant Investigation Process 2024. Collection method: clinical testing. Allele origin: germline.
Comment: The BSCL2 c.955G>A; p.Gly319Arg variant (rs772516974), to our knowledge, is not reported in the medical literature but is reported in ClinVar (Variation ID: 476819). This variant is found in the non-Finnish European population with an allele frequency of 0.0097% (12/124,138 alleles) in the Genome Aggregation Database (v2.1.1). Computational analyses predict that this variant is neutral (REVEL: 0.072). Due to limited information, the clinical significance of this variant is uncertain at this time.

Ambry Genetics
Classification: Uncertain significance for Inborn genetic diseases. Last evaluated: 2024-07-02. Review status: criteria provided, single submitter. Criteria: Ambry Variant Classification Scheme 2023. Collection method: clinical testing. Allele origin: germline.

Fulgent Genetics
Classification: Uncertain significance for Congenital generalized lipodystrophy type 2; Hereditary spastic paraplegia 17; Severe neurodegenerative syndrome with lipodystrophy; Neuronopathy, distal hereditary motor, type 5C. Last evaluated: 2024-02-09. Review status: criteria provided, single submitter. Criteria: ACMG Guidelines, 2015. Collection method: clinical testing. Allele origin: germline.